The following is an entry in ClinVar:

NM_016239.4(MYO15A):c.5152A>G (p.Lys1718Glu)

Gene: MYO15A (myosin XVA; plus strand). Cytogenetic location: 17p11.2.
Variant type: single nucleotide variant.
Coding change: c.5152A>G on transcript NM_016239.4 (MANE Select); coding-DNA position 5152, A replaced by G.
Protein change: p.Lys1718Glu; replaces lysine 1718 with glutamic acid.
Molecular consequence: missense variant.
Genome position (GRCh38, 1-based): chr17:18,139,552, A>G. VCF-style: chr17-18139552-A-G. GRCh37 (hg19) VCF-style: chr17-18042866-A-G.
Other names: short protein forms K1718E.
Identifiers: ClinVar variation 3901509 (VCV003901509.1).
Genomic context (GRCh38, chr17:18,139,552, plus strand): 5'-GACAGAGGCCAGGATTACCCAGGCCATTGTTCCCCTTTTCAGGTGCACAAGTTCCTGGAC[A>G]AGAACCACGACCAAGTGCGCCAGGATGTGCTGGACCTGTTCGTACGGAGCCGGACACGGG-3'
Protein context (NP_057323.3, residues 1708-1728): VTYQVHKFLD[Lys1718Glu]NHDQVRQDVL

ClinVar aggregate classification (germline): Uncertain significance (1 of 4 stars; one submission).

gnomAD v4.1: 2 of 1,614,100 alleles (0.00012%); highest among the groups gnomAD compares: Admixed American, 0.0017%; no homozygotes.

Submission:

GeneDx
Classification: Uncertain significance. Last evaluated: 2024-12-09. Review status: criteria provided, single submitter. Criteria: GeneDx Variant Classification Process June 2021. Collection method: clinical testing. Allele origin: germline. Affected: yes.
Comment: Not observed at significant frequency in large population cohorts (gnomAD); In silico analysis supports that this missense variant has a deleterious effect on protein structure/function; This variant is associated with the following publications: (PMID: 34515852)